The following is an entry in ClinVar:

ClinVar aggregate classification (germline): Uncertain significance (1 of 4 stars; one submission).

Submission:

Greenwood Genetic Center Diagnostic Laboratories, Greenwood Genetic Center
Classification: Uncertain significance. Last evaluated: 2024-11-26. Review status: criteria provided, single submitter. Criteria: ACMG Guidelines, 2015. Collection method: clinical testing. Allele origin: germline. Affected: yes.
Comment: PM2, BP4

NM_000038.6(APC):c.645+2019A>G

Gene: APC (APC regulator of WNT signaling pathway; plus strand). Cytogenetic location: 5q22.2.
Variant type: single nucleotide variant.
Coding change: c.645+2019A>G on transcript NM_000038.6 (MANE Select); 2019 bases into the intron after coding-DNA position 645, A replaced by G.
Molecular consequence: intron variant.
Genome position (GRCh38, 1-based): chr5:112,782,922, A>G. VCF-style: chr5-112782922-A-G. GRCh37 (hg19) VCF-style: chr5-112118619-A-G.
Other names: c.-391+2019A>G (NM_001407470.1, NM_001407472.1, NM_001354906.2 and 1 more transcripts); c.645+2019A>G (NM_001407447.1, NM_001354895.2, NM_001407456.1 and 16 more transcripts); c.675+2019A>G (NM_001407446.1, NM_001354897.2, NM_001354902.2 and 1 more transcripts); c.468+2019A>G (NM_001407453.1, NM_001354900.2, NM_001354901.2 and 1 more transcripts); c.570+2019A>G (NM_001407451.1, NM_001354898.2, NM_001354904.2).
Identifiers: ClinVar variation 3765795 (VCV003765795.1).